The following is an entry in ClinVar:

NM_018417.6(ADCY10):c.1825G>T (p.Glu609Ter)

Gene: ADCY10 (adenylate cyclase 10; minus strand). Cytogenetic location: 1q24.2.
Variant type: single nucleotide variant.
Coding change: c.1825G>T on transcript NM_018417.6 (MANE Select); coding-DNA position 1825, G replaced by T.
Protein change: p.Glu609Ter; replaces glutamic acid 609 with a stop codon.
Molecular consequence: nonsense.
Genome position (GRCh38, 1-based): chr1:167,859,878, C>A on the plus strand (G>T on the coding strand, the complement: ADCY10 is on the minus strand). VCF-style: chr1-167859878-C-A. GRCh37 (hg19) VCF-style: chr1-167829116-C-A.
Other names: c.1366G>T, p.Glu456Ter (NM_001167749.3); c.1549G>T, p.Glu517Ter (NM_001297772.2); short protein forms E456*, E517*, E609*.
Identifiers: ClinVar variation 1073111 (VCV001073111.5), dbSNP rs769982899, ClinGen allele CA343090686.

ClinVar aggregate classification (germline): Pathogenic (1 of 4 stars; one submission).

Allele frequency attached by ClinVar (database versions not stated): gnomAD exomes below 0.00001; TOPMed below 0.00001; gnomAD 0.00001.
gnomAD v4.1: 6 of 1,611,350 alleles (0.00037%); highest among the groups gnomAD compares: Non-Finnish European, 0.00042%; no homozygotes.

Submission:

Labcorp Genetics (formerly Invitae), Labcorp
Classification: Pathogenic. Last evaluated: 2020-02-15. Review status: criteria provided, single submitter. Criteria: Invitae Variant Classification Sherloc (09022015). Collection method: clinical testing. Allele origin: germline.
Comment: Algorithms developed to predict the effect of sequence changes on RNA splicing suggest that this variant may create or strengthen a splice site, but this prediction has not been confirmed by published transcriptional studies. For these reasons, this variant has been classified as Pathogenic. Loss-of-function variants in ADCY10 are known to be pathogenic (PMID: 31119281). This variant has not been reported in the literature in individuals with ADCY10-related conditions. This variant is not present in population databases (ExAC no frequency). This sequence change creates a premature translational stop signal (p.Glu609*) in the ADCY10 gene. It is expected to result in an absent or disrupted protein product.

Literature cited by the submitters: PubMed 31119281.